The following is an entry in ClinVar:

ClinVar aggregate classification (germline): Uncertain significance (1 of 4 stars; one submission).

Submission:

Labcorp Genetics (formerly Invitae), Labcorp
Classification: Uncertain significance. Last evaluated: 2020-12-17. Review status: criteria provided, single submitter. Criteria: Invitae Variant Classification Sherloc (09022015). Collection method: clinical testing. Allele origin: germline.
Comment: This variant results in a copy number gain of the genomic region encompassing exon(s) 16-17 of the TBCE gene. The 5' boundary is likely confined to intron 15. The 3' end of this event is unknown as it extends beyond the assayed region for this gene and therefore may encompass additional genes. As the precise location of this event is unknown, it may be in tandem or it may be located elsewhere in the genome. This variant has not been reported in the literature in individuals with TBCE-related conditions. Experimental studies and prediction algorithms are not available or were not evaluated, and the functional significance of this variant is currently unknown. In summary, the available evidence is currently insufficient to determine the role of this variant in disease. Therefore, it has been classified as a Variant of Uncertain Significance.

NC_000001.10:g.(?_235611664)_(235612077_?)dup

Genes: B3GALNT2 (beta-1,3-N-acetylgalactosaminyltransferase 2; minus strand), TBCE (tubulin folding cofactor E; plus strand). Cytogenetic location: 1q42.3.
Variant type: Duplication.
Identifiers: ClinVar variation 1447046 (VCV001447046.1).